The following is an entry in ClinVar:

ClinVar aggregate classification (germline): Conflicting classifications of pathogenicity. Review status: criteria provided, conflicting classifications (1 of 4 stars). 5 submissions from 4 submitters: Likely pathogenic (1); Uncertain significance (4). Last evaluated 2023-06-27.

Conditions:
Retinitis pigmentosa 39 (RP39). Identifiers: Orphanet 791, MedGen C3151138, MONDO:0013436, OMIM 613809.
Usher syndrome type 2A. Also called: USHER SYNDROME, TYPE IIA; RETINAL DISEASE IN USHER SYNDROME TYPE IIA, MODIFIER OF. Identifiers: Orphanet 231178, Orphanet 886, MedGen C1848634, MONDO:0010169, OMIM 276901.

Allele frequency attached by ClinVar (database versions not stated): ExAC 0.00001; gnomAD exomes 0.00001.
gnomAD v4.1: 8 of 1,612,360 alleles (0.0005%); highest among the groups gnomAD compares: Middle Eastern, 0.017%; no homozygotes.

Submissions (5):

GeneDx
Classification: Uncertain significance. Last evaluated: 2023-06-27. Review status: criteria provided, single submitter. Criteria: GeneDx Variant Classification Process June 2021. Collection method: clinical testing. Allele origin: germline. Affected: yes.
Comment: Not observed at significant frequency in large population cohorts (gnomAD); In silico analysis supports that this missense variant has a deleterious effect on protein structure/function; Has not been previously published as pathogenic or benign to our knowledge; This variant is associated with the following publications: (PMID: 27535533)

Blueprint Genetics
Classification: Uncertain significance. Last evaluated: 2021-09-02. Review status: criteria provided, single submitter. Criteria: ACMG Guidelines, 2015. Collection method: clinical testing. Allele origin: germline.

Genome-Nilou Lab
Classification: Uncertain significance for Usher syndrome type 2A. Last evaluated: 2021-07-22. Review status: criteria provided, single submitter. Criteria: ACMG Guidelines, 2015. Collection method: clinical testing. Allele origin: germline. Affected: no.

Genome-Nilou Lab
Classification: Uncertain significance for Retinitis pigmentosa 39. Last evaluated: 2021-07-22. Review status: criteria provided, single submitter. Criteria: ACMG Guidelines, 2015. Collection method: clinical testing. Allele origin: germline. Affected: no.

DBGen Ocular Genomics
Classification: Likely pathogenic for Retinitis pigmentosa 39. Last evaluated: 2021-06-23. Review status: criteria provided, single submitter. Criteria: ACMG Guidelines, 2015. Collection method: clinical testing. Allele origin: germline. Affected: yes. Observed: 1 variant allele.

NM_206933.4(USH2A):c.4384A>C (p.Thr1462Pro)

Gene: USH2A (usherin; minus strand). Cytogenetic location: 1q41.
Variant type: single nucleotide variant.
Coding change: c.4384A>C on transcript NM_206933.4 (MANE Select); coding-DNA position 4384, A replaced by C.
Protein change: p.Thr1462Pro; replaces threonine 1462 with proline.
Molecular consequence: missense variant.
Genome position (GRCh38, 1-based): chr1:216,190,235, T>G on the plus strand (A>C on the coding strand, the complement: USH2A is on the minus strand). VCF-style: chr1-216190235-T-G. GRCh37 (hg19) VCF-style: chr1-216363577-T-G.
Other names: c.4384A>C, p.Thr1462Pro (NM_007123.6); c.4384A>C (NM_206933.2); short protein forms T1462P.
Identifiers: ClinVar variation 1213936 (VCV001213936.6), dbSNP rs757315203, ClinGen allele CA1395740.
Genomic context (GRCh38, chr1:216,190,235, plus strand): 5'-TTTTCTTGATAGGCAACAGATTTTTCATATCCATTAAAACTTGCTTACCTGCTGCTAAAG[T>G]TTGTCCTGCTCCCGAAGCACTGGTCACACAACCAACTGAATTGCAGAGAGTAATAGTAAA-3'
Protein context (NP_996816.3, residues 1452-1472): CVTSASGAGQ[Thr1462Pro]LAAAPAQLRP